The following is an entry in ClinVar:

ClinVar aggregate classification (germline): Conflicting classifications of pathogenicity. Review status: criteria provided, conflicting classifications (1 of 4 stars). 2 submissions from 2 submitters: Likely pathogenic (1); Uncertain significance (1). Last evaluated 2024-04-29.

Conditions:
Dyskeratosis congenita, autosomal recessive 5 (DKCB5). Identifiers: MedGen C3554656, MONDO:0014076, OMIM 615190.
Pulmonary fibrosis and/or bone marrow failure, Telomere-related, 3. Also called: PULMONARY FIBROSIS AND/OR BONE MARROW FAILURE SYNDROME, TELOMERE-RELATED, 3. Identifiers: Orphanet 2032, MedGen C4225346, MONDO:0014613, OMIM 616373.

Allele frequency attached by ClinVar (database versions not stated): TOPMed below 0.00001; ExAC 0.00001; gnomAD 0.00001.
gnomAD v4.1: 9 of 1,612,152 alleles (0.00056%); highest among the groups gnomAD compares: Non-Finnish European, 0.00076%; no homozygotes.

Submissions (2):

Fulgent Genetics
Classification: Likely pathogenic for Dyskeratosis congenita, autosomal recessive 5; Pulmonary fibrosis and/or bone marrow failure, Telomere-related, 3. Last evaluated: 2024-04-29. Review status: criteria provided, single submitter. Criteria: ACMG Guidelines, 2015. Collection method: clinical testing. Allele origin: germline.

Labcorp Genetics (formerly Invitae), Labcorp
Classification: Uncertain significance for Dyskeratosis congenita, autosomal recessive 5; Pulmonary fibrosis and/or bone marrow failure, Telomere-related, 3. Last evaluated: 2024-01-11. Review status: criteria provided, single submitter. Criteria: Invitae Variant Classification Sherloc (09022015). Collection method: clinical testing. Allele origin: germline.
Comment: This sequence change replaces glutamic acid, which is acidic and polar, with lysine, which is basic and polar, at codon 665 of the RTEL1 protein (p.Glu665Lys). This variant is present in population databases (rs768397005, gnomAD 0.0009%). This missense change has been observed in individual(s) with clinical features of RTEL1-related conditions (PMID: 31677132). An algorithm developed to predict the effect of missense changes on protein structure and function (PolyPhen-2) suggests that this variant is likely to be disruptive. In summary, the available evidence is currently insufficient to determine the role of this variant in disease. Therefore, it has been classified as a Variant of Uncertain Significance.

Literature cited by the submitters: PubMed 31677132 (cited by Labcorp Genetics (formerly Invitae), Labcorp).

NM_001283009.2(RTEL1):c.1993G>A (p.Glu665Lys)

Genes: RTEL1 (regulator of telomere elongation helicase 1; plus strand), RTEL1-TNFRSF6B (RTEL1-TNFRSF6B readthrough (NMD candidate); plus strand). Cytogenetic location: 20q13.33.
Variant type: single nucleotide variant.
Coding change: c.1993G>A on transcript NM_001283009.2 (MANE Select); coding-DNA position 1993, G replaced by A.
Protein change: p.Glu665Lys; replaces glutamic acid 665 with lysine.
Molecular consequence: missense variant. On other transcripts: non-coding transcript variant (1).
Genome position (GRCh38, 1-based): chr20:63,689,616, G>A. VCF-style: chr20-63689616-G-A. GRCh37 (hg19) VCF-style: chr20-62320969-G-A.
Other names: c.1324G>A, p.Glu442Lys (NM_001283010.1); c.1993G>A, p.Glu665Lys (NM_016434.4); c.2065G>A, p.Glu689Lys (NM_032957.5); short protein forms E689K, E665K, E442K.
Identifiers: ClinVar variation 2929100 (VCV002929100.4), dbSNP rs768397005, ClinGen allele CA9965101.